The following is an entry in ClinVar:

NM_004629.2(FANCG):c.179T>G (p.Leu60Arg)

Gene: FANCG (FA complementation group G; minus strand). Cytogenetic location: 9p13.3.
Variant type: single nucleotide variant.
Coding change: c.179T>G on transcript NM_004629.2 (MANE Select); coding-DNA position 179, T replaced by G.
Protein change: p.Leu60Arg; replaces leucine 60 with arginine.
Molecular consequence: missense variant.
Genome position (GRCh38, 1-based): chr9:35,078,733, A>C on the plus strand (T>G on the coding strand, the complement: FANCG is on the minus strand). VCF-style: chr9-35078733-A-C. GRCh37 (hg19) VCF-style: chr9-35078730-A-C.
Other names: short protein forms L60R.
Identifiers: ClinVar variation 4022505 (VCV004022505.1).
Genomic context (GRCh38, chr9:35,078,733, plus strand): 5'-AGGATAATGAAGTTGCAGGTGACAGTCAGCTCCAAGGGAAGAACAGGAACAGCTGCAGGG[A>C]GCCCTGGAGCAACAATGTTGGTCTTACAGACTGCTCCCCCATGGAAGATCCTCCAAATAA-3'
Protein context (NP_004620.1, residues 50-70): LRGLLHSLQG[Leu60Arg]PAAVPVLPLE

ClinVar aggregate classification (germline): Uncertain significance (1 of 4 stars; one submission).

Conditions:
Inborn genetic diseases. Identifiers: MedGen C0950123, MeSH D030342.

Submission:

Ambry Genetics
Classification: Uncertain significance for Inborn genetic diseases. Last evaluated: 2025-05-02. Review status: criteria provided, single submitter. Criteria: Ambry Variant Classification Scheme 2023. Collection method: clinical testing. Allele origin: germline.
Comment: The p.L60R variant (also known as c.179T>G), located in coding exon 3 of the FANCG gene, results from a T to G substitution at nucleotide position 179. The leucine at codon 60 is replaced by arginine, an amino acid with dissimilar properties. This amino acid position is conserved. In addition, this alteration is predicted to be deleterious by in silico analysis. Based on the available evidence, the clinical significance of this variant remains unclear.